The following is an entry in ClinVar:

NM_005502.4(ABCA1):c.302+15A>T

Gene: ABCA1 (ATP binding cassette subfamily A member 1; minus strand). Cytogenetic location: 9q31.1.
Variant type: single nucleotide variant.
Coding change: c.302+15A>T on transcript NM_005502.4 (MANE Select); 15 bases into the intron after coding-DNA position 302, A replaced by T.
Molecular consequence: intron variant.
Genome position (GRCh38, 1-based): chr9:104,884,412, T>A on the plus strand (A>T on the coding strand, the complement: ABCA1 is on the minus strand). VCF-style: chr9-104884412-T-A. GRCh37 (hg19) VCF-style: chr9-107646693-T-A.
Identifiers: ClinVar variation 364463 (VCV000364463.5), dbSNP rs200532064, ClinGen allele CA5169453.

ClinVar aggregate classification (germline): Conflicting classifications of pathogenicity. Review status: criteria provided, conflicting classifications (1 of 4 stars). 2 submissions from 1 submitter: Uncertain significance (1); Benign (1). Last evaluated 2018-01-13.

Conditions:
Hypoalphalipoproteinemia, primary, 1. Identifiers: Orphanet 425, MedGen C5231558, MONDO:0011393, OMIM 604091.
Tangier disease (TGD). Also called: HIGH DENSITY LIPOPROTEIN DEFICIENCY, TANGIER TYPE; HIGH DENSITY LIPOPROTEIN DEFICIENCY, TYPE 1; Cholesterol thesaurismosis. Identifiers: Orphanet 31150, MedGen C0039292, MONDO:0008783, OMIM 205400.

Allele frequency attached by ClinVar (database versions not stated): gnomAD 0.00001 and 0.00002; TOPMed 0.00003; ExAC 0.00005; gnomAD exomes 0.00006; 1000 Genomes Project 0.00020; 1000 Genomes Project 30x 0.00031.
gnomAD v4.1: 28 of 1,614,166 alleles (0.0017%); highest among the groups gnomAD compares: East Asian, 0.058%; no homozygotes.

Submissions (2):

Illumina Laboratory Services, Illumina
Classification: Benign for Hypoalphalipoproteinemia, primary, 1. Last evaluated: 2018-01-13. Review status: criteria provided, single submitter. Criteria: ICSL Variant Classification Criteria 13 December 2019. Collection method: clinical testing. Allele origin: germline.
Comment: This variant was observed in the ICSL laboratory as part of a predisposition screen in an ostensibly healthy population. It had not been previously curated by ICSL or reported in the Human Gene Mutation Database (HGMD: prior to June 1st, 2018), and was therefore a candidate for classification through an automated scoring system. Utilizing variant allele frequency, disease prevalence and penetrance estimates, and inheritance mode, an automated score was calculated to assess if this variant is too frequent to cause the disease. Based on the score and internal cut-off values, a variant classified as benign is not then subjected to further curation. The score for this variant resulted in a classification of benign for this disease.

Illumina Laboratory Services, Illumina
Classification: Uncertain significance for Tangier disease. Last evaluated: 2018-01-13. Review status: criteria provided, single submitter. Criteria: ICSL Variant Classification Criteria 13 December 2019. Collection method: clinical testing. Allele origin: germline.